The following is an entry in ClinVar:

ClinVar aggregate classification (germline): Uncertain significance (1 of 4 stars; one submission).

Submission:

Labcorp Genetics (formerly Invitae), Labcorp
Classification: Uncertain significance. Last evaluated: 2024-04-22. Review status: criteria provided, single submitter. Criteria: Invitae Variant Classification Sherloc (09022015). Collection method: clinical testing. Allele origin: germline.
Comment: This sequence change creates a premature translational stop signal (p.Val760Serfs*49) in the TNNI3K gene. While this is not anticipated to result in nonsense mediated decay, it is expected to disrupt the last 76 amino acid(s) of the TNNI3K protein. This variant is not present in population databases (gnomAD no frequency). This variant has not been reported in the literature in individuals affected with TNNI3K-related conditions. Experimental studies and prediction algorithms are not available or were not evaluated, and the functional significance of this variant is currently unknown. In summary, the available evidence is currently insufficient to determine the role of this variant in disease. Therefore, it has been classified as a Variant of Uncertain Significance.

NM_015978.3(TNNI3K):c.2277_2278insA (p.Val760fs)

Genes: TNNI3K (TNNI3 interacting kinase; plus strand), FPGT-TNNI3K (FPGT-TNNI3K readthrough; plus strand), LRRC53 (leucine rich repeat containing 53; minus strand). Cytogenetic location: 1p31.1.
Variant type: Insertion.
Coding change: c.2277_2278insA on transcript NM_015978.3 (MANE Select); coding-DNA positions 2277 to 2278, A inserted.
Protein change: p.Val760fs; shifts the reading frame from valine 760.
Molecular consequence: frameshift variant. On other transcripts: intron variant (2).
Genome position: GRCh38 VCF-style: chr1-74492192-T-TA. GRCh37 (hg19) VCF-style: chr1-74957876-T-TA.
Other names: c.2580_2581insA, p.Val861fs (NM_001112808.3); c.-8-11225_-8-11224insT (NM_001364666.2); c.-26-8818_-26-8817insT (NM_001382280.1); short protein forms V861fs, V760fs.
Identifiers: ClinVar variation 3679586 (VCV003679586.2).
Genomic context (GRCh38, chr1:74,492,192, plus strand): 5'-TCTCTCACCTTCTTCTTCTTCTGATTGCCTGGTGAACCGGGGAGGACCTGGCCGGAGTCA[T>TA]GTGGCAGCATTAAGAAGTCGTTTCGAATTGGAATATGCTCTAAATGCAAGGTCCTATGCT-3'